The following is an entry in ClinVar:

NM_001384474.1(LOXHD1):c.2307C>T (p.Ser769=)

Gene: LOXHD1 (lipoxygenase homology PLAT domains 1; minus strand). Cytogenetic location: 18q21.1.
Variant type: single nucleotide variant.
Coding change: c.2307C>T on transcript NM_001384474.1 (MANE Select); coding-DNA position 2307, C replaced by T.
Protein change: p.Ser769=; no amino-acid change (serine 769 retained).
Molecular consequence: synonymous variant.
Genome position (GRCh38, 1-based): chr18:46,566,387, G>A on the plus strand (C>T on the coding strand, the complement: LOXHD1 is on the minus strand). VCF-style: chr18-46566387-G-A. GRCh37 (hg19) VCF-style: chr18-44146350-G-A.
Other names: c.2307C>T, p.Ser769= (NM_144612.7).
Identifiers: ClinVar variation 226713 (VCV000226713.19), dbSNP rs115658952, ClinGen allele CA8952686.

ClinVar aggregate classification (germline): Conflicting classifications of pathogenicity. Review status: criteria provided, conflicting classifications (1 of 4 stars). 4 submissions from 4 submitters: Uncertain significance (1); Benign (2); Likely benign (1). Last evaluated 2026-01-31.

Conditions:
Autosomal recessive nonsyndromic hearing loss 77. Identifiers: Orphanet 90636, MedGen C2746083, MONDO:0013119, OMIM 613079.

Allele frequency attached by ClinVar (database versions not stated): gnomAD exomes 0.00024 and 0.00045; ExAC 0.00113; ESP Exome Variant Server 0.00175; gnomAD 0.00249 and 0.00271; TOPMed 0.00262; 1000 Genomes Project 0.00280; 1000 Genomes Project 30x 0.00297.
gnomAD v4.1: 731 of 1,551,540 alleles (0.047%); highest among the groups gnomAD compares: African/African-American, 0.87%; 2 homozygotes.

Submissions (4):

Labcorp Genetics (formerly Invitae), Labcorp
Classification: Benign. Last evaluated: 2026-01-31. Review status: criteria provided, single submitter. Criteria: Invitae Variant Classification Sherloc (09022015). Collection method: clinical testing. Allele origin: germline.

Blueprint Genetics
Classification: Likely benign. Last evaluated: 2024-09-23. Review status: criteria provided, single submitter. Criteria: ACMG Guidelines, 2015. Collection method: clinical testing. Allele origin: germline.

Illumina Laboratory Services, Illumina
Classification: Uncertain significance for Autosomal recessive nonsyndromic hearing loss 77. Last evaluated: 2017-04-27. Review status: criteria provided, single submitter. Criteria: ICSL Variant Classification Criteria 13 December 2019. Collection method: clinical testing. Allele origin: germline.

Laboratory for Molecular Medicine, Mass General Brigham Personalized Medicine
Classification: Benign. Last evaluated: 2015-05-28. Review status: criteria provided, single submitter. Criteria: LMM Criteria. Collection method: clinical testing. Allele origin: germline. Observed: 3 variant alleles.
Comment: p.Ser769Ser in exon 17 of LOXHD1: This variant is not expected to have clinical significance because it does not alter an amino acid residue, is not located wit hin the splice consensus sequence, and has been identified in 0.9% (24/2694) of African chromosomes by the Exome Aggregation Consortium (ExAC).